The following is an entry in ClinVar:

NM_001312909.2(FAM111A):c.1579C>A (p.Pro527Thr)

Gene: FAM111A (FAM111 trypsin like peptidase A; plus strand). Cytogenetic location: 11q12.1.
Variant type: single nucleotide variant.
Coding change: c.1579C>A on transcript NM_001312909.2 (MANE Select); coding-DNA position 1579, C replaced by A.
Protein change: p.Pro527Thr; replaces proline 527 with threonine.
Molecular consequence: missense variant.
Genome position (GRCh38, 1-based): chr11:59,153,247, C>A. VCF-style: chr11-59153247-C-A. GRCh37 (hg19) VCF-style: chr11-58920720-C-A.
Other names: c.1579C>A, p.Pro527Thr (NM_001142519.3, NM_001142520.3, NM_001142521.3 and 29 more transcripts); short protein forms P527T.
Identifiers: ClinVar variation 56815 (VCV000056815.6), dbSNP rs587777015, ClinGen allele CA344774.

ClinVar aggregate classification (germline): Pathogenic. Review status: criteria provided, single submitter (1 of 4 stars). 3 submissions from 3 submitters: Pathogenic (1). 2 of the submissions do not count toward it. Last evaluated 2025-08-21.

Conditions:
Osteocraniostenosis (GCLEB). Also called: HABRODYSPLASIA; OSTEOCRANIOSPLENIC SYNDROME; Osteocraniostenosis (Gracile Bone Dysplasia). Identifiers: Orphanet 2763, MedGen C1865639, MONDO:0011215, OMIM 602361.

Submissions (3):

Labcorp Genetics (formerly Invitae), Labcorp
Classification: Pathogenic. Last evaluated: 2025-08-21. Review status: criteria provided, single submitter. Criteria: Invitae Variant Classification Sherloc (09022015). Collection method: clinical testing. Allele origin: germline.
Comment: This sequence change replaces proline, which is neutral and non-polar, with threonine, which is neutral and polar, at codon 527 of the FAM111A protein (p.Pro527Thr). This variant is not present in population databases (gnomAD no frequency). This missense change has been observed in individual(s) with FAM111A-related conditions (PMID: 23684011, 36916904; internal data). In at least one individual the variant was observed to be de novo. ClinVar contains an entry for this variant (Variation ID: 56815). Invitae Evidence Modeling of protein sequence and biophysical properties (such as structural, functional, and spatial information, amino acid conservation, physicochemical variation, residue mobility, and thermodynamic stability) indicates that this missense variant is not expected to disrupt FAM111A protein function with a negative predictive value of 80%. For these reasons, this variant has been classified as Pathogenic.

ClinVar Staff, National Center for Biotechnology Information (NCBI)
Classification: Likely pathogenic for Gracile bone dysplasia. Last evaluated: 2013-06-27. Review status: no assertion criteria provided. Collection method: literature only. Allele origin: germline. Affected: yes. Not counted in ClinVar's aggregate classification.

OMIM
Classification: Pathogenic for GRACILE BONE DYSPLASIA. Last evaluated: 2013-06-06. Review status: no assertion criteria provided. Collection method: literature only. Allele origin: germline. Not counted in ClinVar's aggregate classification.

Literature cited by the submitters: PubMed 23684011 (cited by 3 submitters); PubMed 36916904 (cited by Labcorp Genetics (formerly Invitae), Labcorp).